The following is an entry in ClinVar:

ClinVar aggregate classification (germline): Uncertain significance. Review status: criteria provided, multiple submitters, no conflicts (2 of 4 stars). 4 submissions from 4 submitters: Uncertain significance (4). Last evaluated 2026-04-23.

Allele frequency attached by ClinVar (database versions not stated): gnomAD 0.00001; gnomAD exomes 0.00002; ESP Exome Variant Server 0.00015; ExAC 0.00002; TOPMed 0.00004.
gnomAD v4.1: 24 of 1,610,386 alleles (0.0015%); highest among the groups gnomAD compares: East Asian, 0.0022%; no homozygotes.

Submissions (4):

GeneDx
Classification: Uncertain significance. Last evaluated: 2026-04-23. Review status: criteria provided, single submitter. Criteria: GeneDx Variant Classification Process June 2021. Collection method: clinical testing. Allele origin: germline.
Comment: Not observed at significant frequency in large population cohorts (gnomAD); In silico analysis supports that this missense variant has a deleterious effect on protein structure/function; Has not been previously published as pathogenic or benign to our knowledge

Athena Diagnostics
Classification: Uncertain significance. Last evaluated: 2022-03-17. Review status: criteria provided, single submitter. Criteria: Athena Diagnostics Criteria. Collection method: clinical testing. Allele origin: unknown.

Blueprint Genetics
Classification: Uncertain significance. Last evaluated: 2020-06-08. Review status: criteria provided, single submitter. Criteria: ACMG Guidelines, 2015. Collection method: clinical testing. Allele origin: germline.

Eurofins Ntd Llc (ga)
Classification: Uncertain significance. Last evaluated: 2017-04-25. Review status: criteria provided, single submitter. Criteria: EGL Classification Definitions 2015. Collection method: clinical testing. Allele origin: germline. Observed: 1 variant allele, 1 heterozygote.

NM_182961.4(SYNE1):c.1723G>T (p.Gly575Cys)

Gene: SYNE1 (spectrin repeat containing nuclear envelope protein 1; minus strand). Cytogenetic location: 6q25.2.
Variant type: single nucleotide variant.
Coding change: c.1723G>T on transcript NM_182961.4 (MANE Select); coding-DNA position 1723, G replaced by T.
Protein change: p.Gly575Cys; replaces glycine 575 with cysteine.
Molecular consequence: missense variant.
Genome position (GRCh38, 1-based): chr6:152,465,988, C>A on the plus strand (G>T on the coding strand, the complement: SYNE1 is on the minus strand). VCF-style: chr6-152465988-C-A. GRCh37 (hg19) VCF-style: chr6-152787123-C-A.
Other names: c.1744G>T (NM_033071.3); c.1744G>T, p.Gly582Cys (NM_033071.5); short protein forms G575C, G582C.
Identifiers: ClinVar variation 501549 (VCV000501549.8), dbSNP rs143408582, ClinGen allele CA4059331.